The following is an entry in ClinVar:

ClinVar aggregate classification (germline): Likely pathogenic (1 of 4 stars; one submission).

Conditions:
Proteinuria, chronic benign. Identifiers: MedGen C5394384, MONDO:0030042, OMIM 618884.

Submission:

Variantyx, Inc.
Classification: Likely pathogenic for Proteinuria, chronic benign. Last evaluated: 2025-09-08. Review status: criteria provided, single submitter. Criteria: Variantyx Assertion Criteria 2022. Collection method: clinical testing. Allele origin: germline. Inheritance: Autosomal recessive inheritance. Affected: yes.
Comment: This is an inframe deletion-insertion variant in the CUBN gene (OMIM: 602997). Pathogenic variants in this gene have been associated with autosomal recessive chronic benign proteinuria. This variant is located in CUBN exon 51 out of 67 total exons)and causes an in-frame deletion of 2 amino acid and insertion of 7 amino acids at position 2656 of the CUBN protein (PM4). It has a 0.0367% maximum allele frequency in non-founder control populations (PM2). Based on the current evidence, this variant is classified as likely pathogenic for autosomal recessive chronic benign proteinuria.

Literature cited by the submitters: PubMed 34610128; PubMed 35642643; PubMed 30647093.

NM_001081.4(CUBN):c.7969delinsTTATACCTTATATAA (p.Pro2657delinsLeuTyrLeuIleTer)

Gene: CUBN (cubilin; minus strand). Cytogenetic location: 10p13.
Variant type: Indel.
Coding change: c.7969delinsTTATACCTTATATAA on transcript NM_001081.4 (MANE Select); coding-DNA position 7969, C replaced by TTATACCTTATATAA.
Protein change: p.Pro2657delinsLeuTyrLeuIleTer.
Molecular consequence: nonsense.
Genome position (GRCh38, 1-based): chr10:16,904,059, G replaced by TTATATAAGGTATAA on the plus strand (C replaced by TTATACCTTATATAA on the coding strand, the reverse complement: CUBN is on the minus strand). VCF-style: chr10-16904059-G-TTATATAAGGTATAA. GRCh37 (hg19) VCF-style: chr10-16946058-G-TTATATAAGGTATAA.
Identifiers: ClinVar variation 4813792 (VCV004813792.1).